The following is an entry in ClinVar:

ClinVar aggregate classification (germline): Uncertain significance. Review status: criteria provided, multiple submitters, no conflicts (2 of 4 stars). 2 submissions from 2 submitters: Uncertain significance (2). Last evaluated 2024-02-26.

Conditions:
Cardiovascular phenotype. Identifiers: MedGen CN230736.

Allele frequency attached by ClinVar (database versions not stated): gnomAD exomes below 0.00001; ExAC 0.00001.
gnomAD v4.1: 2 of 1,613,722 alleles (0.00012%); highest among the groups gnomAD compares: East Asian, 0.0022%; no homozygotes.

Submissions (2):

GeneDx
Classification: Uncertain significance. Last evaluated: 2024-02-26. Review status: criteria provided, single submitter. Criteria: GeneDx Variant Classification Process June 2021. Collection method: clinical testing. Allele origin: germline. Affected: yes.
Comment: Has not been previously published as pathogenic or benign to our knowledge; Not observed at significant frequency in large population cohorts (gnomAD); In silico analysis supports that this missense variant has a deleterious effect on protein structure/function

Ambry Genetics
Classification: Uncertain significance for Cardiovascular phenotype. Last evaluated: 2023-01-18. Review status: criteria provided, single submitter. Criteria: Ambry Variant Classification Scheme 2023. Collection method: clinical testing. Allele origin: germline.
Comment: The p.C703R variant (also known as c.2107T>C), located in coding exon 2 of the TNXB gene, results from a T to C substitution at nucleotide position 2107. The cysteine at codon 703 is replaced by arginine, an amino acid with highly dissimilar properties. This amino acid position is conserved. In addition, the in silico prediction for this alteration is inconclusive. Since supporting evidence is limited at this time, the clinical significance of this alteration remains unclear.

NM_001365276.2(TNXB):c.2107T>C (p.Cys703Arg)

Gene: TNXB (tenascin XB; minus strand). Cytogenetic location: 6p21.33.
Variant type: single nucleotide variant.
Coding change: c.2107T>C on transcript NM_001365276.2 (MANE Select); coding-DNA position 2107, T replaced by C.
Protein change: p.Cys703Arg; replaces cysteine 703 with arginine.
Molecular consequence: missense variant.
Genome position (GRCh38, 1-based): chr6:32,095,746, A>G on the plus strand (T>C on the coding strand, the complement: TNXB is on the minus strand). VCF-style: chr6-32095746-A-G. GRCh37 (hg19) VCF-style: chr6-32063523-A-G.
Other names: c.2107T>C, p.Cys703Arg (NM_019105.8); short protein forms C703R.
Identifiers: ClinVar variation 2451160 (VCV002451160.3), dbSNP rs748472103, ClinGen allele CA3735554.
Genomic context (GRCh38, chr6:32,095,746, plus strand): 5'-AGTCCCCTGGGCATGTCTGGATGGCACAGTCAGGGCCTCGGAAGCCCTCTACACACACAC[A>G]CTGGCCTGCCCGGCACAGTTCCCGGGGCCCGCAGCCTCCAGGGCAGGCGCTGGCTGGAGG-3'
Protein context (NP_001352205.1, residues 693-713): GPRELCRAGQ[Cys703Arg]VCVEGFRGPD